The following is an entry in ClinVar:

ClinVar aggregate classification (germline): Pathogenic (3 of 4 stars; one submission).

Conditions:
Breast-ovarian cancer, familial, susceptibility to, 2 (BROVCA2). Also called: BRCA2 Hereditary Breast and Ovarian Cancer. Identifiers: Orphanet 145, MedGen C2675520, MONDO:0012933, OMIM 612555. Disease mechanism: loss of function.

Submission:

Evidence-based Network for the Interpretation of Germline Mutant Alleles (ENIGMA)
Classification: Pathogenic for Breast-ovarian cancer, familial, susceptibility to, 2. Last evaluated: 2017-12-15. Review status: reviewed by expert panel. Criteria: ENIGMA BRCA1/2 Classification Criteria (2017-06-29). Collection method: curation. Allele origin: germline. Study: ENIGMA.
Comment: Variant allele predicted to encode a truncated non-functional protein.

NM_000059.4(BRCA2):c.1922_1923insAT (p.Ser642fs)

Gene: BRCA2 (BRCA2 DNA repair associated; plus strand). Cytogenetic location: 13q13.1.
Variant type: Insertion.
Coding change: c.1922_1923insAT on transcript NM_000059.4 (MANE Select); coding-DNA positions 1922 to 1923, AT inserted.
Protein change: p.Ser642fs; shifts the reading frame from serine 642.
Molecular consequence: frameshift variant.
Genome position: GRCh38 VCF-style: chr13-32336277-C-CAT. GRCh37 (hg19) VCF-style: chr13-32910414-C-CAT.
Other names: short protein forms S642fs.
Identifiers: ClinVar variation 548333 (VCV000548333.1), dbSNP rs1555282353, ClinGen allele CA658823599.
Genomic context (GRCh38, chr13:32,336,277, plus strand): 5'-TGTGATTGATGGTACTTTAATTTTGTCACTTTGTGTTTTTATGTTTAGGTTTATTGCATT[C>CAT]TTCTGTGAAAAGAAGCTGTTCACAGAATGATTCTGAAGAACCAACTTTGTCCTTAACTAG-3'